The following is an entry in ClinVar:

ClinVar aggregate classification (germline): Uncertain significance (1 of 4 stars; one submission).

Conditions:
Spastic paraplegia. Identifiers: MedGen C0037772, HP:0001258.

Allele frequency attached by ClinVar (database versions not stated): ExAC 0.00001; gnomAD exomes 0.00001.

Submission:

Labcorp Genetics (formerly Invitae), Labcorp
Classification: Uncertain significance for Spastic paraplegia. Last evaluated: 2024-06-16. Review status: criteria provided, single submitter. Criteria: Invitae Variant Classification Sherloc (09022015). Collection method: clinical testing. Allele origin: germline.
Comment: This sequence change replaces glycine, which is neutral and non-polar, with serine, which is neutral and polar, at codon 1174 of the L1CAM protein (p.Gly1174Ser). The frequency data for this variant in the population databases is considered unreliable, as metrics indicate poor data quality at this position in the gnomAD database. This variant has not been reported in the literature in individuals affected with L1CAM-related conditions. ClinVar contains an entry for this variant (Variation ID: 1990562). Advanced modeling of protein sequence and biophysical properties (such as structural, functional, and spatial information, amino acid conservation, physicochemical variation, residue mobility, and thermodynamic stability) has been performed at Invitae for this missense variant, however the output from this modeling did not meet the statistical confidence thresholds required to predict the impact of this variant on L1CAM protein function. In summary, the available evidence is currently insufficient to determine the role of this variant in disease. Therefore, it has been classified as a Variant of Uncertain Significance.

NM_001278116.2(L1CAM):c.3520G>A (p.Gly1174Ser)

Gene: L1CAM (L1 cell adhesion molecule; minus strand). Cytogenetic location: Xq28.
Variant type: single nucleotide variant.
Coding change: c.3520G>A on transcript NM_001278116.2 (MANE Select); coding-DNA position 3520, G replaced by A.
Protein change: p.Gly1174Ser; replaces glycine 1174 with serine.
Molecular consequence: missense variant.
Genome position (GRCh38, 1-based): chrX:153,863,487, C>T on the plus strand (G>A on the coding strand, the complement: L1CAM is on the minus strand). VCF-style: chrX-153863487-C-T. GRCh37 (hg19) VCF-style: chrX-153128942-C-T.
Other names: c.3520G>A, p.Gly1174Ser (NM_000425.5, NM_024003.3); c.3505G>A, p.Gly1169Ser (NM_001143963.2); short protein forms G1169S, G1174S.
Identifiers: ClinVar variation 1990562 (VCV001990562.4), dbSNP rs781987270, ClinGen allele CA10553940.